The following is an entry in ClinVar:

NM_006231.4(POLE):c.555C>G (p.Asp185Glu)

Gene: POLE (DNA polymerase epsilon, catalytic subunit; minus strand). Cytogenetic location: 12q24.33.
Variant type: single nucleotide variant.
Coding change: c.555C>G on transcript NM_006231.4 (MANE Select); coding-DNA position 555, C replaced by G.
Protein change: p.Asp185Glu; replaces aspartic acid 185 with glutamic acid.
Molecular consequence: missense variant.
Genome position (GRCh38, 1-based): chr12:132,679,520, G>C on the plus strand (C>G on the coding strand, the complement: POLE is on the minus strand). VCF-style: chr12-132679520-G-C. GRCh37 (hg19) VCF-style: chr12-133256106-G-C.
Other names: short protein forms D185E.
Identifiers: ClinVar variation 2560396 (VCV002560396.3), dbSNP rs763871536, ClinGen allele CA6894291.

ClinVar aggregate classification (germline): Uncertain significance (1 of 4 stars; one submission).

Conditions:
Hereditary cancer-predisposing syndrome. Also called: Neoplastic Syndromes, Hereditary; Hereditary Cancer Syndrome; Hereditary neoplastic syndrome; Tumor predisposition. Identifiers: Orphanet 140162, MedGen C0027672, MeSH D009386, MONDO:0015356.

Submission:

Ambry Genetics
Classification: Uncertain significance for Hereditary cancer-predisposing syndrome. Last evaluated: 2025-07-28. Review status: criteria provided, single submitter. Criteria: Ambry Variant Classification Scheme 2023. Collection method: clinical testing. Allele origin: germline.
Comment: The p.D185E variant (also known as c.555C>G), located in coding exon 6 of the POLE gene, results from a C to G substitution at nucleotide position 555. The aspartic acid at codon 185 is replaced by glutamic acid, an amino acid with highly similar properties. This amino acid position is conserved. In addition, this alteration is predicted to be tolerated by in silico analysis. Since supporting evidence is limited at this time, the clinical significance of this alteration remains unclear.